The following is an entry in ClinVar:

ClinVar aggregate classification (germline): Uncertain significance (1 of 4 stars; one submission).

Conditions:
Perlman syndrome (PRLMNS). Identifiers: Orphanet 2849, MedGen C0796113, MONDO:0009965, OMIM 267000.

Submission:

Labcorp Genetics (formerly Invitae), Labcorp
Classification: Uncertain significance for Perlman syndrome. Last evaluated: 2017-07-09. Review status: criteria provided, single submitter. Criteria: Invitae Variant Classification Sherloc (09022015). Collection method: clinical testing. Allele origin: germline.
Comment: This sequence change replaces alanine with valine at codon 207 of the DIS3L2 protein (p.Ala207Val). The alanine residue is weakly conserved and there is a small physicochemical difference between alanine and valine. In summary, the available evidence is currently insufficient to determine the role of this variant in disease. Therefore, it has been classified as a Variant of Uncertain Significance. Algorithms developed to predict the effect of sequence changes on RNA splicing suggest that this variant may create or strengthen a splice site, but this prediction has not been confirmed by published transcriptional studies. Algorithms developed to predict the effect of missense changes on protein structure and function output the following: SIFT: "Tolerated"; PolyPhen-2: "Benign"; Align-GVGD: "Class C0". The valine amino acid residue is found in multiple mammalian species, suggesting that this missense change does not adversely affect protein function. These predictions have not been confirmed by published functional studies and their clinical significance is uncertain. This variant has not been reported in the literature in individuals with DIS3L2-related disease. This variant is not present in population databases (ExAC no frequency).

NM_152383.5(DIS3L2):c.620C>T (p.Ala207Val)

Gene: DIS3L2 (DIS3 like 3'-5' exoribonuclease 2; plus strand). Cytogenetic location: 2q37.1.
Variant type: single nucleotide variant.
Coding change: c.620C>T on transcript NM_152383.5 (MANE Select); coding-DNA position 620, C replaced by T.
Protein change: p.Ala207Val; replaces alanine 207 with valine.
Molecular consequence: missense variant. On other transcripts: non-coding transcript variant (2).
Genome position (GRCh38, 1-based): chr2:232,130,637, C>T. VCF-style: chr2-232130637-C-T. GRCh37 (hg19) VCF-style: chr2-232995347-C-T.
Other names: c.620C>T, p.Ala207Val (NM_001257281.2, NM_001257282.2); short protein forms A207V.
Identifiers: ClinVar variation 463123 (VCV000463123.8), dbSNP rs1553609835, ClinGen allele CA351153122.